The following is an entry in ClinVar:

NM_013296.5(GPSM2):c.1983G>C (p.Gly661=)

Genes: CLCC1 (chloride channel CLIC like 1; minus strand), GPSM2 (G protein signaling modulator 2; plus strand). Cytogenetic location: 1p13.3.
Variant type: single nucleotide variant.
Coding change: c.1983G>C on transcript NM_013296.5 (MANE Select); coding-DNA position 1983, G replaced by C.
Protein change: p.Gly661=; no amino-acid change (glycine 661 retained).
Molecular consequence: synonymous variant. On other transcripts: 3 prime UTR variant (17), non-coding transcript variant (1).
Genome position (GRCh38, 1-based): chr1:108,929,868, G>C. VCF-style: chr1-108929868-G-C. GRCh37 (hg19) VCF-style: chr1-109472490-G-C.
Other names: c.*2679C>G (NM_001048210.3, NM_001278202.2, NM_001278203.1 and 10 more transcripts); c.*2684C>G (NM_001377459.1, NM_001377460.1, NM_001377462.1 and 1 more transcripts); c.1983G>C, p.Gly661= (NM_001321038.2, NM_001321039.3).
Identifiers: ClinVar variation 3029986 (VCV003029986.2), dbSNP rs768924499, ClinGen allele CA419671871.

ClinVar aggregate classification (germline): Likely benign (0 of 4 stars; one submission).

Conditions:
GPSM2-related disorder. Also called: GPSM2-related condition; GPSM2-related disorders.

Submission:

PreventionGenetics, part of Exact Sciences
Classification: Likely benign for GPSM2-related condition. Last evaluated: 2020-12-15. Review status: no assertion criteria provided. Collection method: clinical testing. Allele origin: germline.
Comment: This variant is classified as likely benign based on ACMG/AMP sequence variant interpretation guidelines (Richards et al. 2015 PMID: 25741868, with internal and published modifications).